The following is an entry in ClinVar:

ClinVar aggregate classification (germline): Uncertain significance (1 of 4 stars; one submission).

Submission:

GeneDx
Classification: Uncertain significance. Last evaluated: 2025-12-10. Review status: criteria provided, single submitter. Criteria: GeneDx Variant Classification Process June 2021. Collection method: clinical testing. Allele origin: germline. Affected: yes.
Comment: Not observed at significant frequency in large population cohorts (gnomAD); In silico analysis supports that this missense variant has a deleterious effect on protein structure/function; Has not been previously published as pathogenic or benign to our knowledge

NM_144973.4(DENND5B):c.533C>G (p.Ser178Cys)

Gene: DENND5B (DENN domain containing 5B; minus strand). Cytogenetic location: 12p11.21.
Variant type: single nucleotide variant.
Coding change: c.533C>G on transcript NM_144973.4 (MANE Select); coding-DNA position 533, C replaced by G.
Protein change: p.Ser178Cys; replaces serine 178 with cysteine.
Molecular consequence: missense variant. On other transcripts: intron variant (1).
Genome position (GRCh38, 1-based): chr12:31,479,960, G>C on the plus strand (C>G on the coding strand, the complement: DENND5B is on the minus strand). VCF-style: chr12-31479960-G-C. GRCh37 (hg19) VCF-style: chr12-31632894-G-C.
Other names: c.638C>G, p.Ser213Cys (NM_001308339.2); c.599C>G, p.Ser200Cys (NM_001366890.1, NM_001366893.1); c.533C>G, p.Ser178Cys (NM_001366892.1); c.373+160C>G (NM_001366891.1); short protein forms S178C, S200C, S213C.
Identifiers: ClinVar variation 3600776 (VCV003600776.2).
Genomic context (GRCh38, chr12:31,479,960, plus strand): 5'-AACGGTGTGATCAAGCATATACTTTTTGAAACATACAGGGTGTCTCTGCTAATATCATAG[G>C]AGTTGTATCGCTGGAGTTTCAAAAGGGAAGTTGTATCTCCTTCATCAAGACTACTTGCCA-3'
Protein context (NP_659410.3, residues 168-188): TSLLKLQRYN[Ser178Cys]YDISRDTLYV